The following is an entry in ClinVar:

ClinVar aggregate classification (germline): Uncertain significance. Review status: criteria provided, multiple submitters, no conflicts (2 of 4 stars). 2 submissions from 2 submitters: Uncertain significance (2). Last evaluated 2024-11-08.

Conditions:
Epilepsy, progressive myoclonic, 1B. Also called: PME. Identifiers: Orphanet 308, MedGen C2676254, MONDO:0012904, OMIM 612437.

Allele frequency attached by ClinVar (database versions not stated): gnomAD 0.00001; ExAC 0.00002; gnomAD exomes 0.00002; 1000 Genomes Project 30x 0.00016; 1000 Genomes Project 0.00020.
gnomAD v4.1: 21 of 1,614,146 alleles (0.0013%); highest among the groups gnomAD compares: Middle Eastern, 0.017%; no homozygotes.

Submissions (2):

Ambry Genetics
Classification: Uncertain significance. Last evaluated: 2024-11-08. Review status: criteria provided, single submitter. Criteria: Ambry Variant Classification Scheme 2023. Collection method: clinical testing. Allele origin: germline.

Labcorp Genetics (formerly Invitae), Labcorp
Classification: Uncertain significance for Epilepsy, progressive myoclonic, 1B. Last evaluated: 2021-10-27. Review status: criteria provided, single submitter. Criteria: Invitae Variant Classification Sherloc (09022015). Collection method: clinical testing. Allele origin: germline.
Comment: This sequence change replaces valine, which is neutral and non-polar, with isoleucine, which is neutral and non-polar, at codon 660 of the PRICKLE1 protein (p.Val660Ile). This variant is present in population databases (rs143947284, gnomAD 0.007%). This variant has not been reported in the literature in individuals affected with PRICKLE1-related conditions. Algorithms developed to predict the effect of missense changes on protein structure and function (SIFT, PolyPhen-2, Align-GVGD) all suggest that this variant is likely to be tolerated. In summary, the available evidence is currently insufficient to determine the role of this variant in disease. Therefore, it has been classified as a Variant of Uncertain Significance.

NM_153026.3(PRICKLE1):c.1978G>A (p.Val660Ile)

Gene: PRICKLE1 (prickle planar cell polarity protein 1; minus strand). Cytogenetic location: 12q12.
Variant type: single nucleotide variant.
Coding change: c.1978G>A on transcript NM_153026.3 (MANE Select); coding-DNA position 1978, G replaced by A.
Protein change: p.Val660Ile; replaces valine 660 with isoleucine.
Molecular consequence: missense variant.
Genome position (GRCh38, 1-based): chr12:42,460,327, C>T on the plus strand (G>A on the coding strand, the complement: PRICKLE1 is on the minus strand). VCF-style: chr12-42460327-C-T. GRCh37 (hg19) VCF-style: chr12-42854129-C-T.
Other names: c.1978G>A, p.Val660Ile (NM_001144881.2, NM_001144882.2, NM_001144883.2); short protein forms V660I.
Identifiers: ClinVar variation 1359196 (VCV001359196.6), dbSNP rs143947284, ClinGen allele CA6519669.
Genomic context (GRCh38, chr12:42,460,327, plus strand): 5'-TTCTACTTCTCCGGCGGCGGTGGTGATGAGACCTGGATCCCCTCTCTTCAAAATTGTAGA[C>T]GCGTCTCCGAGTCCTTTCACTCATCGGAGGCTGCCGGATTTCAATGTCATAGTTCCCATT-3'
Protein context (NP_694571.2, residues 650-670): PPMSERTRRR[Val660Ile]YNFEERGSRS